The following is an entry in ClinVar:

ClinVar aggregate classification (germline): Uncertain significance. Review status: criteria provided, multiple submitters, no conflicts (2 of 4 stars). 2 submissions from 2 submitters: Uncertain significance (2). Last evaluated 2022-05-04.

Allele frequency attached by ClinVar (database versions not stated): gnomAD exomes below 0.00001.

Submissions (2):

Labcorp Genetics (formerly Invitae), Labcorp
Classification: Uncertain significance. Last evaluated: 2022-05-04. Review status: criteria provided, single submitter. Criteria: Invitae Variant Classification Sherloc (09022015). Collection method: clinical testing. Allele origin: germline.
Comment: In summary, the available evidence is currently insufficient to determine the role of this variant in disease. Therefore, it has been classified as a Variant of Uncertain Significance. Algorithms developed to predict the effect of missense changes on protein structure and function are either unavailable or do not agree on the potential impact of this missense change (SIFT: "Deleterious"; PolyPhen-2: "Possibly Damaging"; Align-GVGD: "Class C15"). ClinVar contains an entry for this variant (Variation ID: 388470). This variant has not been reported in the literature in individuals affected with FLNB-related conditions. This variant is not present in population databases (gnomAD no frequency). This sequence change replaces lysine, which is basic and polar, with glutamic acid, which is acidic and polar, at codon 328 of the FLNB protein (p.Lys328Glu).

GeneDx
Classification: Uncertain significance. Last evaluated: 2016-08-12. Review status: criteria provided, single submitter. Criteria: GeneDx Variant Classification (06012015). Collection method: clinical testing. Allele origin: germline. Affected: yes.
Comment: The K328E variant in the FLNB gene has not been reported previously as a pathogenic variant, nor as a benign variant, to our knowledge. The K328Evariant was not observed in approximately 6,500 individuals of European and African American ancestry in the NHLBI Exome Sequencing Project, indicating it is not a common benign variant in these populations. The K328E variant is a non-conservative amino acid substitution, which is likely to impact secondary protein structure as these residues differ in polarity, charge, size and/or other properties. This substitution occurs at a position that is conserved across species. In silico analysis predicts this variant is probably damaging to the protein structure/function. We interpret K328E as a variant of uncertain significance.

NM_001457.4(FLNB):c.982A>G (p.Lys328Glu)

Gene: FLNB (filamin B; plus strand). Cytogenetic location: 3p14.3.
Variant type: single nucleotide variant.
Coding change: c.982A>G on transcript NM_001457.4 (MANE Select); coding-DNA position 982, A replaced by G.
Protein change: p.Lys328Glu; replaces lysine 328 with glutamic acid.
Molecular consequence: missense variant.
Genome position (GRCh38, 1-based): chr3:58,096,216, A>G. VCF-style: chr3-58096216-A-G. GRCh37 (hg19) VCF-style: chr3-58081943-A-G.
Other names: c.982A>G, p.Lys328Glu (NM_001164317.2, NM_001164318.2, NM_001164319.2); short protein forms K328E.
Identifiers: ClinVar variation 388470 (VCV000388470.6), dbSNP rs1057523117, ClinGen allele CA16604997.